The following is an entry in ClinVar:

NM_021831.6(AGBL5):c.479C>G (p.Ser160Cys)

Gene: AGBL5 (AGBL carboxypeptidase 5; plus strand). Cytogenetic location: 2p23.3.
Variant type: single nucleotide variant.
Coding change: c.479C>G on transcript NM_021831.6 (MANE Select); coding-DNA position 479, C replaced by G.
Protein change: p.Ser160Cys; replaces serine 160 with cysteine.
Molecular consequence: missense variant. On other transcripts: non-coding transcript variant (2).
Genome position (GRCh38, 1-based): chr2:27,053,987, C>G. VCF-style: chr2-27053987-C-G. GRCh37 (hg19) VCF-style: chr2-27276855-C-G.
Other names: c.479C>G, p.Ser160Cys (NM_001035506.1, NM_001035507.3); short protein forms S160C.
Identifiers: ClinVar variation 1943777 (VCV001943777.5), dbSNP rs2465442464, ClinGen allele CA346171539.
Genomic context (GRCh38, chr2:27,053,987, plus strand): 5'-TTCATCGTTTCGTGGAGGGCCGTGGGGCCACCACCTTCTTCGCCTTCTGCTACCCCTTCT[C>G]CTACAGTGACTGCCAGGAACTGCTAAACCAGCTAGACCAGCGCTTTCCGGAGAACCACCC-3'
Protein context (NP_068603.4, residues 150-170): TTFFAFCYPF[Ser160Cys]YSDCQELLNQ

ClinVar aggregate classification (germline): Uncertain significance (1 of 4 stars; one submission).

gnomAD v4.1: 1 of 1,614,174 alleles (0.000062%); highest among the groups gnomAD compares: Non-Finnish European, 0.000085%; no homozygotes.

Submission:

Labcorp Genetics (formerly Invitae), Labcorp
Classification: Uncertain significance. Last evaluated: 2022-06-26. Review status: criteria provided, single submitter. Criteria: Invitae Variant Classification Sherloc (09022015). Collection method: clinical testing. Allele origin: germline.
Comment: This sequence change replaces serine, which is neutral and polar, with cysteine, which is neutral and slightly polar, at codon 160 of the AGBL5 protein (p.Ser160Cys). This variant is not present in population databases (gnomAD no frequency). This variant has not been reported in the literature in individuals affected with AGBL5-related conditions. Algorithms developed to predict the effect of missense changes on protein structure and function are either unavailable or do not agree on the potential impact of this missense change (SIFT: "Deleterious"; PolyPhen-2: "Probably Damaging"; Align-GVGD: "Class C15"). In summary, the available evidence is currently insufficient to determine the role of this variant in disease. Therefore, it has been classified as a Variant of Uncertain Significance.